The following is an entry in ClinVar:

ClinVar aggregate classification (germline): Pathogenic (3 of 4 stars; one submission).

Conditions:
Glanzmann thrombasthenia. Also called: PLATELET GLYCOPROTEIN IIb-IIIa DEFICIENCY; Thrombasthenia; Glanzmann's thrombasthenia; BLEEDING DISORDER, PLATELET-TYPE, 2; THROMBASTHENIA OF GLANZMANN AND NAEGELI. Identifiers: Orphanet 849, MedGen C0040015, MONDO:0100326.

Submission:

ClinGen Platelet Disorders Variant Curation Expert Panel, ClinGen
Classification: Pathogenic for Glanzmann thrombasthenia. Last evaluated: 2024-06-06. Review status: reviewed by expert panel. Criteria: ClinGen Platelet ACMG Specifications v2-1. Collection method: curation. Allele origin: germline. Inheritance: Autosomal recessive inheritance.
Comment: The NM_000419.5(ITGA2B):c.1654del (p.Val552CysfsTer13) (also referred as "c.1686delG") variant in ITGA2B is a deletion in exon 17, resulting in a shift of the reading frame and a premature stop signal (p.Val552Cysfs*13). This variant is predicted to cause a premature stop codon in biologically relevant exon (exon 17) leading to nonsense mediated decay (PVS1). This variant has been detected in trans with a pathogenic variant NM_000419.4:c.480del (mentioned as "c.512delC" in the article) in an individual with Glanzmann thrombasthenia. The patient (PMID: 27416581) displayed mucocutaneous bleeding and impaired aggregation with all agonists except ristocetin, which is highly specific for Glanzmann thrombasthenia (PP4_moderate). Additionally, αIIbβ3 surface expression was absent, as measured by flow cytometry. This variant is absent from gnomAD v4.1.0 population databases (PM2_Supporting). In summary this variant meets criteria to be classified as Pathogenic for autosomal recessive Glanzmann Thrombasthenia based on the ACMG/AMP criteria applied, as specified by the ClinGen PD VCEP: PVS1, PP4_Moderate, PM2_Supporting.

NM_000419.5(ITGA2B):c.1654del (p.Val552fs)

Gene: ITGA2B (integrin subunit alpha 2b; minus strand). Cytogenetic location: 17q21.31.
Variant type: Deletion.
Coding change: c.1654del on transcript NM_000419.5 (MANE Select); coding-DNA position 1654, one base deleted (G; older notation c.1654delG).
Protein change: p.Val552fs; shifts the reading frame from valine 552.
Molecular consequence: frameshift variant.
Genome position (GRCh38, 1-based): chr17:44,380,100, C deleted on the plus strand (G on the coding strand, the reverse complement: ITGA2B is on the minus strand); the first of 3 consecutive C bases (chr17:44,380,100-44,380,102); deleting any one gives the same sequence. VCF-style (leftmost placement, unchanged base first): chr17-44380099-AC-A. GRCh37 (hg19) VCF-style: chr17-42457467-AC-A.
Other names: NM_000419.5:c.1654del; short protein forms V552fs.
Identifiers: ClinVar variation 3242402 (VCV003242402.1), dbSNP rs2510079259.